The following is an entry in ClinVar:

NM_025114.4(CEP290):c.734_735del (p.Glu245fs)

Gene: CEP290 (centrosomal protein 290; minus strand). Cytogenetic location: 12q21.32.
Variant type: Microsatellite.
Coding change: c.734_735del on transcript NM_025114.4 (MANE Select); coding-DNA positions 734 to 735, 2 bases deleted (AG; older notation c.734_735delAG).
Protein change: p.Glu245fs; shifts the reading frame from glutamic acid 245.
Molecular consequence: frameshift variant.
Genome position (GRCh38, 1-based): chr12:88,129,811-88,129,812, CT deleted on the plus strand (AG on the coding strand, the reverse complement: CEP290 is on the minus strand); deleting any 2 consecutive bases within chr12:88,129,811-88,129,814 gives the same sequence; the c. name uses the placement nearest the transcript's 3' end. VCF-style (leftmost placement, unchanged base first): chr12-88129810-ACT-A. GRCh37 (hg19) VCF-style: chr12-88523587-ACT-A.
Other names: NM_025114.4(CEP290):c.734_735del; p.Glu245fs; short protein forms E245fs.
Identifiers: ClinVar variation 804466 (VCV000804466.13), dbSNP rs1592671672, ClinGen allele CA915946668.
Genomic context (GRCh38, chr12:88,129,810, plus strand): 5'-GATGCACAATAGCTTTCATTCTATTATATTCATCAGTCATCTTCTCCATTTCCTGTACAG[ACT>A]CTTCTAAATTTTTTCTCATTTCTTGATTCTGAACTTCAATTTTCTCATTAGCTTCTGTTA-3'

ClinVar aggregate classification (germline): Pathogenic. Review status: reviewed by expert panel (3 of 4 stars). 6 submissions from 6 submitters: Pathogenic (1). 5 of the submissions do not count toward it. Last evaluated 2026-07-20.

Conditions:
CEP290-related disorder. Also called: CEP290-related disorders; CEP290-related condition. Identifiers: MedGen CN239314.
CEP290-related ciliopathy. Also called: CEP290 ciliopathy. Identifiers: MedGen CN305601, MONDO:0100451.
Nephronophthisis. Also called: Juvenile Nephronophthisis. Identifiers: Orphanet 655, MedGen C0687120, MONDO:0019005, HP:0000090.
Joubert syndrome. Also called: JOUBERT-BOLTSHAUSER SYNDROME; Familial aplasia of the vermis. Identifiers: Orphanet 475, MedGen C5979921, MONDO:0018772.
Meckel-Gruber syndrome. Also called: Dysencephalia splachnocystica; DYSENCEPHALIA SPLANCHNOCYSTICA; GRUBER SYNDROME. Identifiers: Orphanet 564, MedGen C0265215, MONDO:0018921.
Senior-Loken syndrome 6 (SLSN6). Identifiers: Orphanet 3156, MedGen C1857779, MONDO:0012433, OMIM 610189.
Joubert syndrome 5 (JBTS5). Identifiers: Orphanet 2318, MedGen C1857780, MONDO:0012432, OMIM 610188.
Meckel syndrome, type 4 (MKS4). Also called: MECKEL-GRUBER SYNDROME, TYPE 4. Identifiers: Orphanet 564, MedGen C1970161, MONDO:0012626, OMIM 611134.
Bardet-Biedl syndrome 14 (BBS14). Identifiers: Orphanet 110, MedGen C2673874, MONDO:0014442, OMIM 615991.
Leber congenital amaurosis 10 (LCA10). Identifiers: Orphanet 65, MedGen C1857821, MONDO:0012723, OMIM 611755.

Submissions (6):

ClinGen Leber Congenital Amaurosis/early Onset Retinal Dystrophy Variant Curation Expert Panel, ClinGen
Classification: Pathogenic for CEP290-related ciliopathy. Last evaluated: 2026-07-20. Review status: reviewed by expert panel. Criteria: ClinGen LCAeoRD ACMG Specifications CEP290 V1.0.0. Collection method: curation. Allele origin: germline. Inheritance: Autosomal recessive inheritance.
Comment: NM_025114.4(CEP290):c.734_735del (p.Glu245ValfsTer10) is a frameshift variant that introduces a premature stop codon into exon 10 of 54 and is predicted to lead to nonsense-mediated decay in a gene in which loss-of-function is an established mechanism of disease (PVS1). This variant is present in gnomAD v4.1.1 at a total allele frequency of 0.0000006807, with 1 allele / 1,469,018 total alleles, which is lower than the ClinGen LCA/eoRD VCEP PM2_Supporting threshold of <0.0006 (PM2_Supporting). This variant has been reported in at least 1 proband with early-onset severe retinal dystrophy who harbored the variant in the compound heterozygous state with the NM_025114.4(CEP290):c.4945C>T (p.Gln1649Ter) variant suspected but not confirmed in trans (PMID: 37217489). However, the proband was not counted for PM3_Supporting because the other variant in trans has not yet been classified for CEP290-related ciliopathy. A second proband has been reported with panel ordered for Joubert syndrome who harbors the variant in the homozygous state (0.5 total points, PM3_Supporting, VCEP member-provided data). In summary, this variant meets the criteria to be classified as Pathogenic for CEP290-related ciliopathy based on the ACMG/AMP criteria applied, as specified by the ClinGen LCA/eoRD VCEP: PVS1, PM2_Supporting, and PM3_Supporting. (LCA/eoRD VCEP Specifications for CEP290 Version 1.0.0)

OLLIN Analises Genomicas, OLLIN
Classification: Likely pathogenic for Senior-Loken syndrome 6. Last evaluated: 2026-08-06. Review status: criteria provided, single submitter. Criteria: ACMG Guidelines 2015 PMID 25741868. Collection method: clinical testing. Allele origin: germline. Inheritance: Autosomal recessive inheritance. Not counted in ClinVar's aggregate classification.
Comment: This frameshift variant, located in exon 10 (of 54), has been reported in ClinVar (accession VCV000804466.11) and in gnomAD with an allele frequency of 0.000068%. However, to our knowledge, it has not been reported in the scientific literature. This variant causes a frameshift and introduces a premature stop codon, which is predicted to result in either a truncated protein or degradation of the mRNA via nonsense-mediated decay (NMD). According to the currently available evidence, this variant has been classified as likely pathogenic (PVS1, PM2_P).

Labcorp Genetics (formerly Invitae), Labcorp
Classification: Pathogenic for Joubert syndrome; Meckel-Gruber syndrome; Nephronophthisis. Last evaluated: 2024-10-24. Review status: criteria provided, single submitter. Criteria: Invitae Variant Classification Sherloc (09022015). Collection method: clinical testing. Allele origin: germline. Not counted in ClinVar's aggregate classification.
Comment: This sequence change creates a premature translational stop signal (p.Glu245Valfs*10) in the CEP290 gene. It is expected to result in an absent or disrupted protein product. Loss-of-function variants in CEP290 are known to be pathogenic (PMID: 16909394, 17345604, 20690115). This variant is not present in population databases (gnomAD no frequency). This variant has not been reported in the literature in individuals affected with CEP290-related conditions. For these reasons, this variant has been classified as Pathogenic.

Revvity Omics, Revvity
Classification: Pathogenic. Last evaluated: 2024-10-03. Review status: criteria provided, single submitter. Criteria: ACMG Guidelines, 2015. Collection method: clinical testing. Allele origin: germline. Not counted in ClinVar's aggregate classification.

Blueprint Genetics
Classification: Likely pathogenic for CEP290-related disorders. Last evaluated: 2022-05-23. Review status: criteria provided, single submitter. Criteria: ACMG Guidelines, 2015. Collection method: clinical testing. Allele origin: germline. Affected: yes. Observed: 2 variant alleles. Not counted in ClinVar's aggregate classification.

Hadassah Hebrew University Medical Center
Classification: Likely pathogenic for Bardet-Biedl syndrome 14; Joubert syndrome 5; Leber congenital amaurosis 10; Meckel syndrome, type 4; Senior-Loken syndrome 6. Last evaluated: 2019-06-20. Review status: criteria provided, single submitter. Criteria: ACMG Guidelines, 2015. Collection method: clinical testing. Allele origin: germline. Inheritance: Autosomal recessive inheritance. Affected: yes. Not counted in ClinVar's aggregate classification.

Literature cited by the submitters: PubMed 16909394 (cited by Labcorp Genetics (formerly Invitae), Labcorp); PubMed 17345604 (cited by Labcorp Genetics (formerly Invitae), Labcorp); PubMed 20690115 (cited by Labcorp Genetics (formerly Invitae), Labcorp).